The following is an entry in ClinVar:

ClinVar aggregate classification (germline): Uncertain significance (1 of 4 stars; one submission).

Conditions:
Hereditary cancer-predisposing syndrome. Also called: Hereditary neoplastic syndrome; Hereditary Cancer Syndrome; Neoplastic Syndromes, Hereditary; Tumor predisposition. Identifiers: Orphanet 140162, MedGen C0027672, MeSH D009386, MONDO:0015356.

Submission:

Ambry Genetics
Classification: Uncertain significance for Hereditary cancer-predisposing syndrome. Last evaluated: 2023-04-11. Review status: criteria provided, single submitter. Criteria: Ambry Variant Classification Scheme 2023. Collection method: clinical testing. Allele origin: germline.
Comment: The p.V235A variant (also known as c.704T>C), located in coding exon 6 of the CDH1 gene, results from a T to C substitution at nucleotide position 704. The valine at codon 235 is replaced by alanine, an amino acid with similar properties. This amino acid position is highly conserved in available vertebrate species. In addition, the in silico prediction for this alteration is inconclusive. Since supporting evidence is limited at this time, the clinical significance of this alteration remains unclear.

NM_004360.5(CDH1):c.704T>C (p.Val235Ala)

Gene: CDH1 (cadherin 1; plus strand). Cytogenetic location: 16q22.1.
Variant type: single nucleotide variant.
Coding change: c.704T>C on transcript NM_004360.5 (MANE Select); coding-DNA position 704, T replaced by C.
Protein change: p.Val235Ala; replaces valine 235 with alanine.
Molecular consequence: missense variant. On other transcripts: 5 prime UTR variant (2).
Genome position (GRCh38, 1-based): chr16:68,810,213, T>C. VCF-style: chr16-68810213-T-C. GRCh37 (hg19) VCF-style: chr16-68844116-T-C.
Other names: c.704T>C, p.Val235Ala (NM_001317184.2); c.-912T>C (NM_001317185.2); c.-1116T>C (NM_001317186.2); short protein forms V235A.
Identifiers: ClinVar variation 2567602 (VCV002567602.2), dbSNP rs2152131010, ClinGen allele CA396458411.